The following is an entry in ClinVar:

ClinVar aggregate classification (germline): Uncertain significance (1 of 4 stars; one submission).

Conditions:
Familial adenomatous polyposis 1 (FAP1). Also called: FAMILIAL ADENOMATOUS POLYPOSIS 1, ATTENUATED; POLYPOSIS, ADENOMATOUS INTESTINAL. Identifiers: MedGen C2713442, MONDO:0021056, OMIM 175100. Disease mechanism: loss of function.

Submission:

Labcorp Genetics (formerly Invitae), Labcorp
Classification: Uncertain significance for Familial adenomatous polyposis 1. Last evaluated: 2023-07-19. Review status: criteria provided, single submitter. Criteria: Invitae Variant Classification Sherloc (09022015). Collection method: clinical testing. Allele origin: germline.
Comment: In summary, the available evidence is currently insufficient to determine the role of this variant in disease. Therefore, it has been classified as a Variant of Uncertain Significance. Experimental studies and prediction algorithms are not available or were not evaluated, and the functional significance of this variant is currently unknown. This variant has not been reported in the literature in individuals affected with APC-related conditions. This variant is not present in population databases (gnomAD no frequency). This variant occurs in a non-coding region of the APC gene. It does not change the encoded amino acid sequence of the APC protein.

NC_000005.10:g.112707343G>A

Gene: APC (APC regulator of Wnt signaling pathway; plus strand). Cytogenetic location: 5q22.2.
Variant type: single nucleotide variant.
Genome position: GRCh38 VCF-style: chr5-112707343-G-A. GRCh37 (hg19) VCF-style: chr5-112043040-G-A.
Identifiers: ClinVar variation 2799620 (VCV002799620.3), dbSNP rs1050218356, ClinGen allele CA2709742360.